The following is an entry in ClinVar:

ClinVar aggregate classification (germline): Likely benign. Review status: criteria provided, multiple submitters, no conflicts (2 of 4 stars). 3 submissions from 3 submitters: Likely benign (3). Last evaluated 2026-06-15.

Conditions:
TTN-related disorder. Also called: TTN-related condition; TTN-related disease; TTN-related disorders.
Autosomal recessive limb-girdle muscular dystrophy type 2J (LGMDR10). Also called: Limb-girdle muscular dystrophy, type 2J; MUSCULAR DYSTROPHY, LIMB-GIRDLE, AUTOSOMAL RECESSIVE 10. Identifiers: Orphanet 140922, MedGen C1837342, MONDO:0012127, OMIM 608807.
Dilated cardiomyopathy 1G (CMD1G). Identifiers: Orphanet 154, MedGen C1858763, MONDO:0011400, OMIM 604145.
Cardiovascular phenotype. Identifiers: MedGen CN230736.

Allele frequency attached by ClinVar (database versions not stated): ExAC 0.00001; gnomAD 0.00001; gnomAD exomes 0.00001 and 0.00003; TOPMed 0.00001; ESP Exome Variant Server 0.00016.
gnomAD v4.1: 47 of 1,613,602 alleles (0.0029%); highest among the groups gnomAD compares: Non-Finnish European, 0.0039%; no homozygotes.

Submissions (3):

PreventionGenetics, part of Exact Sciences
Classification: Likely benign for TTN-related condition. Last evaluated: 2026-06-15. Review status: criteria provided, single submitter. Criteria: ACMG Guidelines, 2015. Collection method: clinical testing. Allele origin: germline.
Comment: This variant is classified as likely benign based on ACMG/AMP sequence variant interpretation guidelines (Richards et al. 2015 PMID: 25741868, with internal and published modifications).

Labcorp Genetics (formerly Invitae), Labcorp
Classification: Likely benign for Dilated cardiomyopathy 1G; Autosomal recessive limb-girdle muscular dystrophy type 2J. Last evaluated: 2025-01-15. Review status: criteria provided, single submitter. Criteria: Invitae Variant Classification Sherloc (09022015). Collection method: clinical testing. Allele origin: germline.

Ambry Genetics
Classification: Likely benign for Cardiovascular phenotype. Last evaluated: 2021-01-24. Review status: criteria provided, single submitter. Criteria: Ambry Variant Classification Scheme 2023. Collection method: clinical testing. Allele origin: germline.

NM_001267550.2(TTN):c.97944C>T (p.Thr32648=)

Genes: TTN (titin; minus strand), TTN-AS1 (TTN antisense RNA 1; plus strand). Cytogenetic location: 2q31.2.
Variant type: single nucleotide variant.
Coding change: c.97944C>T on transcript NM_001267550.2 (MANE Select); coding-DNA position 97944, C replaced by T.
Protein change: p.Thr32648=; no amino-acid change (threonine 32648 retained).
Molecular consequence: synonymous variant.
Genome position (GRCh38, 1-based): chr2:178,540,222, G>A on the plus strand (C>T on the coding strand, the complement: TTN is on the minus strand). VCF-style: chr2-178540222-G-A. GRCh37 (hg19) VCF-style: chr2-179404949-G-A.
Other names: c.93021C>T, p.Thr31007= (NM_001256850.1); c.70749C>T, p.Thr23583= (NM_003319.4); c.90240C>T, p.Thr30080= (NM_133378.4); c.71124C>T, p.Thr23708= (NM_133432.3); c.71325C>T, p.Thr23775= (NM_133437.4).
Identifiers: ClinVar variation 467699 (VCV000467699.15), dbSNP rs367773598, ClinGen allele CA1986465.